The following is an entry in ClinVar:

ClinVar aggregate classification (germline): Pathogenic (1 of 4 stars; one submission).

Conditions:
Early-infantile DEE. Also called: Ohtahara syndrome; Early infantile epileptic encephalopathy; Early infantile epileptic encephalopathy with suppression bursts. Identifiers: Orphanet 1934, MedGen C0393706, MONDO:0800491.

Submission:

Labcorp Genetics (formerly Invitae), Labcorp
Classification: Pathogenic for Early-infantile DEE. Last evaluated: 2022-11-08. Review status: criteria provided, single submitter. Criteria: Invitae Variant Classification Sherloc (09022015). Collection method: clinical testing. Allele origin: germline.
Comment: ClinVar contains an entry for this variant (Variation ID: 1026796). For these reasons, this variant has been classified as Pathogenic. Advanced modeling of protein sequence and biophysical properties (such as structural, functional, and spatial information, amino acid conservation, physicochemical variation, residue mobility, and thermodynamic stability) performed at Invitae indicates that this missense variant is expected to disrupt SCN1A protein function. This missense change has been observed in individual(s) with clinical features of epileptic encephalopathy with cerebellar atrophy (Invitae). In at least one individual the variant was observed to be de novo. This variant is not present in population databases (gnomAD no frequency). This sequence change replaces methionine, which is neutral and non-polar, with arginine, which is basic and polar, at codon 1559 of the SCN1A protein (p.Met1559Arg).

NM_001165963.4(SCN1A):c.4676T>G (p.Met1559Arg)

Genes: SCN1A (sodium voltage-gated channel alpha subunit 1; minus strand), LOC102724058 (uncharacterized LOC102724058; plus strand). Cytogenetic location: 2q24.3.
Variant type: single nucleotide variant.
Coding change: c.4676T>G on transcript NM_001165963.4 (MANE Select); coding-DNA position 4676, T replaced by G.
Protein change: p.Met1559Arg; replaces methionine 1559 with arginine.
Molecular consequence: missense variant. On other transcripts: non-coding transcript variant (1).
Genome position (GRCh38, 1-based): chr2:165,994,322, A>C on the plus strand (T>G on the coding strand, the complement: SCN1A is on the minus strand). VCF-style: chr2-165994322-A-C. GRCh37 (hg19) VCF-style: chr2-166850832-A-C.
Other names: c.4592T>G, p.Met1531Arg (NM_001165964.3, NM_001353957.2, NM_001353958.2); c.4676T>G, p.Met1559Arg (NM_001202435.3, NM_001353948.2); c.4643T>G, p.Met1548Arg (NM_001353949.2, NM_001353950.2, NM_001353951.2 and 2 more transcripts); c.4640T>G, p.Met1547Arg (NM_001353954.2, NM_001353955.2); c.4589T>G, p.Met1530Arg (NM_001353960.2); c.2234T>G, p.Met745Arg (NM_001353961.2); short protein forms M1530R, M1531R, M1547R, M1548R, M1559R, M745R.
Identifiers: ClinVar variation 1026796 (VCV001026796.9), dbSNP rs1689707865, ClinGen allele CA349072111.
Genomic context (GRCh38, chr2:165,994,322, plus strand): 5'-ACCAGATTGATGCGTGACAAAATGGTAGTCACATATTCACTCTGGTCATCTGTTTCCACC[A>C]TCATTGTGACCATGTTAAGACAGATGAGAATCATGATGCTTATGTCAAAAACTTGTCTGG-3'
Protein context (NP_001159435.1, residues 1549-1569): ILICLNMVTM[Met1559Arg]VETDDQSEYV